The following is an entry in ClinVar:

NM_004006.3(DMD):c.6438+120_6438+122del

Gene: DMD (dystrophin; minus strand). Cytogenetic location: Xp21.1.
Variant type: Microsatellite.
Coding change: c.6438+120_6438+122del on transcript NM_004006.3 (MANE Select); bases 120 to 122 of the intron after coding-DNA position 6438, 3 bases deleted (CAT; older notation c.6438+120_6438+122delCAT).
Molecular consequence: intron variant.
Genome position (GRCh38, 1-based): chrX:32,216,794-32,216,796, ATG deleted on the plus strand (CAT on the coding strand, the reverse complement: DMD is on the minus strand); deleting any 3 consecutive bases within chrX:32,216,794-32,216,800 gives the same sequence; the c. name uses the placement nearest the transcript's 3' end. VCF-style (leftmost placement, unchanged base first): chrX-32216793-AATG-A. GRCh37 (hg19) VCF-style: chrX-32234910-AATG-A.
Other names: c.6414+120_6414+122del (NM_000109.4); c.2415+120_2415+122del (NM_004011.4); c.2406+120_2406+122del (NM_004012.4); c.6426+120_6426+122del (NM_004009.3); c.6069+120_6069+122del (NM_004010.3).
Identifiers: ClinVar variation 675790 (VCV000675790.1), dbSNP rs202027439, ClinGen allele CA328519353.

ClinVar aggregate classification (germline): Benign (1 of 4 stars; one submission).

Submission:

GeneDx
Classification: Benign. Last evaluated: 2018-06-16. Review status: criteria provided, single submitter. Criteria: GeneDx Variant Classification (06012015). Collection method: clinical testing. Allele origin: germline. Affected: yes.
Comment: This variant is considered likely benign or benign based on one or more of the following criteria: it is a conservative change, it occurs at a poorly conserved position in the protein, it is predicted to be benign by multiple in silico algorithms, and/or has population frequency not consistent with disease.